The following is an entry in ClinVar:

NM_139057.4(ADAMTS17):c.2438G>C (p.Ser813Thr)

Gene: ADAMTS17 (ADAM metallopeptidase with thrombospondin type 1 motif 17; minus strand). Cytogenetic location: 15q26.3.
Variant type: single nucleotide variant.
Coding change: c.2438G>C on transcript NM_139057.4 (MANE Select); coding-DNA position 2438, G replaced by C.
Protein change: p.Ser813Thr; replaces serine 813 with threonine.
Molecular consequence: missense variant.
Genome position (GRCh38, 1-based): chr15:100,051,589, C>G on the plus strand (G>C on the coding strand, the complement: ADAMTS17 is on the minus strand). VCF-style: chr15-100051589-C-G. GRCh37 (hg19) VCF-style: chr15-100591794-C-G.
Other names: c.2438G>C (NM_139057.2); short protein forms S813T.
Identifiers: ClinVar variation 1351889 (VCV001351889.6), dbSNP rs148665497, ClinGen allele CA7757731.
Genomic context (GRCh38, chr15:100,051,589, plus strand): 5'-GCAAAACCCCACACCCAACAGGTCATGGACCACGGCCACTCACCTCCGCCGCACTGCACA[C>G]TGCACCCTTCCCAGCCGCTGTGGGTCCAGATGAACAAAGAGTCCTGCGGTTTTTCTGGTT-3'
Protein context (NP_620688.2, residues 803-823): IWTHSGWEGC[Ser813Thr]VQCGGGERRT

ClinVar aggregate classification (germline): Uncertain significance. Review status: criteria provided, multiple submitters, no conflicts (2 of 4 stars). 3 submissions from 3 submitters: Uncertain significance (3). Last evaluated 2025-10-16.

Conditions:
Inborn genetic diseases. Identifiers: MedGen C0950123, MeSH D030342.

Allele frequency attached by ClinVar (database versions not stated): ExAC 0.00004; gnomAD exomes 0.00004; gnomAD 0.00023; TOPMed 0.00024; ESP Exome Variant Server 0.00038.
gnomAD v4.1: 59 of 1,613,832 alleles (0.0037%); highest among the groups gnomAD compares: African/African-American, 0.072%; no homozygotes.

Submissions (3):

Labcorp Genetics (formerly Invitae), Labcorp
Classification: Uncertain significance. Last evaluated: 2025-10-16. Review status: criteria provided, single submitter. Criteria: Invitae Variant Classification Sherloc (09022015). Collection method: clinical testing. Allele origin: germline.
Comment: This sequence change replaces serine, which is neutral and polar, with threonine, which is neutral and polar, at codon 813 of the ADAMTS17 protein (p.Ser813Thr). This variant is present in population databases (rs148665497, gnomAD 0.07%). This variant has not been reported in the literature in individuals affected with ADAMTS17-related conditions. ClinVar contains an entry for this variant (Variation ID: 1351889). An algorithm developed to predict the effect of missense changes on protein structure and function (PolyPhen-2) suggests that this variant is likely to be disruptive. In summary, the available evidence is currently insufficient to determine the role of this variant in disease. Therefore, it has been classified as a Variant of Uncertain Significance.

Ambry Genetics
Classification: Uncertain significance for Inborn genetic diseases. Last evaluated: 2024-09-06. Review status: criteria provided, single submitter. Criteria: Ambry Variant Classification Scheme 2023. Collection method: clinical testing. Allele origin: germline.

GeneDx
Classification: Uncertain significance. Last evaluated: 2024-06-09. Review status: criteria provided, single submitter. Criteria: GeneDx Variant Classification Process June 2021. Collection method: clinical testing. Allele origin: germline. Affected: yes.
Comment: In silico analysis indicates that this missense variant does not alter protein structure/function; Has not been previously published as pathogenic or benign to our knowledge